The following is an entry in ClinVar:

ClinVar aggregate classification (germline): Likely pathogenic (1 of 4 stars; one submission).

Submission:

GeneDx
Classification: Likely pathogenic. Last evaluated: 2016-12-02. Review status: criteria provided, single submitter. Criteria: GeneDx Variant Classification (06012015). Collection method: clinical testing. Allele origin: germline. Affected: yes.
Comment: A novel c.1811delA variant that is likely pathogenic has been identified in the MBD5 gene. The c.1811delA variant has not been published as a pathogenic variant, nor has it been reported as a benign variant to our knowledge. The c.1811delA variant is not observed in large population cohorts (Lek et al., 2016; 1000 Genomes Consortium et al., 2015; Exome Variant Server). The c.1811delA variant in the MBD5 gene causes a frameshift starting with codon Asparagine 604, changes this amino acid to an Isoleucine residue and creates a premature Stop codon at position 17 of the new reading frame, denoted p.Asn604IlefsX17. This variant is predicted to cause loss of normal protein function either through protein truncation or nonsense-mediated mRNA decay. Therefore, this variant is likely pathogenic; however, the possibility that it is benign cannot be excluded.

NM_001378120.1(MBD5):c.1811del (p.Asn604fs)

Gene: MBD5 (methyl-CpG binding domain protein 5; plus strand). Cytogenetic location: 2q23.1.
Variant type: Deletion.
Coding change: c.1811del on transcript NM_001378120.1 (MANE Select); coding-DNA position 1811, one base deleted (A; older notation c.1811delA).
Protein change: p.Asn604fs; shifts the reading frame from asparagine 604.
Molecular consequence: frameshift variant.
Genome position (GRCh38, 1-based): chr2:148,469,754, A deleted; the last of 2 consecutive A bases (chr2:148,469,753-148,469,754); deleting either gives the same sequence. VCF-style (leftmost placement, unchanged base first): chr2-148469752-CA-C. GRCh37 (hg19) VCF-style: chr2-149227321-CA-C.
Other names: c.1811del, p.Asn604fs (NM_018328.5); c.1811delA (NM_018328.4); short protein forms N604fs.
Identifiers: ClinVar variation 373716 (VCV000373716.1), dbSNP rs1057518567, ClinGen allele CA16042337.